The following is an entry in ClinVar:

NM_000094.4(COL7A1):c.5173G>A (p.Gly1725Arg)

Gene: COL7A1 (collagen type VII alpha 1 chain; minus strand). Cytogenetic location: 3p21.31.
Variant type: single nucleotide variant.
Coding change: c.5173G>A on transcript NM_000094.4 (MANE Select); coding-DNA position 5173, G replaced by A.
Protein change: p.Gly1725Arg; replaces glycine 1725 with arginine.
Molecular consequence: missense variant.
Genome position (GRCh38, 1-based): chr3:48,579,650, C>T on the plus strand (G>A on the coding strand, the complement: COL7A1 is on the minus strand). VCF-style: chr3-48579650-C-T. GRCh37 (hg19) VCF-style: chr3-48617083-C-T.
Other names: short protein forms G1725R.
Identifiers: ClinVar variation 450451 (VCV000450451.9), dbSNP rs772195825, ClinGen allele CA2379620.

ClinVar aggregate classification (germline): Conflicting classifications of pathogenicity. Review status: criteria provided, conflicting classifications (1 of 4 stars). 4 submissions from 4 submitters: Pathogenic (1); Likely pathogenic (1); Uncertain significance (2). Last evaluated 2026-01-26.

Conditions:
Generalized dominant dystrophic epidermolysis bullosa (DDEB). Also called: Dominant DEB (DDEB); DDEB, generalized; DDEB-gen; DYSTROPHIC EPIDERMOLYSIS BULLOSA, AUTOSOMAL DOMINANT; Epidermolysis bullosa dystrophica, autosomal dominant. Identifiers: Orphanet 231568, MedGen C0432322, MONDO:0007549, OMIM 131750.
Nonsyndromic congenital nail disorder 8. Also called: TOENAIL DYSTROPHY, ISOLATED. Identifiers: MedGen C1843761, MONDO:0011852, OMIM 607523.
Transient bullous dermolysis of the newborn (TBDN). Also called: EPIDERMOLYSIS BULLOSA DYSTROPHICA, NEONATAL FORM; DYSTROPHIC EPIDERMOLYSIS BULLOSA, NEONATAL. Identifiers: Orphanet 79411, MedGen C1851573, MONDO:0007548, OMIM 131705.
Pretibial dystrophic epidermolysis bullosa. Also called: EPIDERMOLYSIS BULLOSA DYSTROPHICA, PRETIBIAL; Pretibial epidermolysis bullosa; Pretibial blistering. Identifiers: Orphanet 79410, MedGen C0432321, MONDO:0007552, OMIM 131850, HP:0012221.
Dominant dystrophic epidermolysis bullosa with absence of skin. Also called: EPIDERMOLYSIS BULLOSA DYSTROPHICA, BART TYPE; EPIDERMOLYSIS BULLOSA WITH CONGENITAL LOCALIZED ABSENCE OF SKIN AND DEFORMITY OF NAILS. Identifiers: MedGen C0268371, MONDO:0007557, OMIM 132000.
Epidermolysis bullosa pruriginosa. Also called: DEB, PRURIGINOSA; DYSTROPHIC EPIDERMOLYSIS BULLOSA PRURIGINOSA. Identifiers: Orphanet 89843, MedGen C1275114, MONDO:0011398, OMIM 604129.
Recessive dystrophic epidermolysis bullosa (RDEB). Also called: Epidermolysis Bullosa Distrophica Autosomal Recessive (RDEB); EPIDERMOLYSIS BULLOSA DYSTROPHICA, HALLOPEAU-SIEMENS TYPE; Recessive DEB (RDEB); epidermolysis bullosa dystrophica, autosomal recessive; DYSTROPHIC EPIDERMOLYSIS BULLOSA, AUTOSOMAL RECESSIVE; Hallopeau-Siemens Disease. Identifiers: Orphanet 79408, Orphanet 79409, MedGen C0079474, MONDO:0009179, OMIM 226600.

Allele frequency attached by ClinVar (database versions not stated): gnomAD 0.00001; gnomAD exomes 0.00001 and 0.00002; TOPMed 0.00001; ExAC 0.00002.
gnomAD v4.1: 14 of 1,613,540 alleles (0.00087%); highest among the groups gnomAD compares: Admixed American, 0.0067%; no homozygotes.

Submissions (4):

Myriad Genetics, Inc.
Classification: Uncertain significance for Recessive dystrophic epidermolysis bullosa. Last evaluated: 2026-01-26. Review status: criteria provided, single submitter. Criteria: Myriad Autosomal Dominant, Autosomal Recessive and X-Linked Classification Criteria (2023). Collection method: clinical testing. Allele origin: unknown.
Comment: NM_000094.3(COL7A1):c.5173G>A(G1725R) is a missense variant classified as a variant of uncertain significance in the context of dystrophic epidermolysis bullosa. G1725R has not been observed in cases with relevant disease. Relevant functional assessments of this variant are not available in the literature. G1725R has been observed in referenced population frequency databases. In summary, there is insufficient evidence to classify NM_000094.3(COL7A1):c.5173G>A(G1725R) as pathogenic or benign. Please note: this variant was assessed in the context of healthy population screening.

Labcorp Genetics (formerly Invitae), Labcorp
Classification: Uncertain significance. Last evaluated: 2025-07-07. Review status: criteria provided, single submitter. Criteria: Invitae Variant Classification Sherloc (09022015). Collection method: clinical testing. Allele origin: germline.
Comment: This sequence change replaces glycine, which is neutral and non-polar, with arginine, which is basic and polar, at codon 1725 of the COL7A1 protein (p.Gly1725Arg). This variant is present in population databases (rs772195825, gnomAD 0.006%). This variant has not been reported in the literature in individuals affected with COL7A1-related conditions. ClinVar contains an entry for this variant (Variation ID: 450451). Invitae Evidence Modeling of protein sequence and biophysical properties (such as structural, functional, and spatial information, amino acid conservation, physicochemical variation, residue mobility, and thermodynamic stability) indicates that this missense variant is expected to disrupt COL7A1 protein function with a positive predictive value of 95%. This variant disrupts the triple helix domain of COL7A1. Glycine residues within the Gly-Xaa-Yaa repeats of the triple helix domain are required for the structure and stability of fibrillar collagens (PMID: 7695699, 8218237, 19344236), and variants at these glycine residues in COL7A1 are more frequently observed in individuals with disease than in the general population (PMID: 22058051). However, the clinical significance of this observation remains uncertain since only a limited number of affected individuals have been described to date. In summary, the available evidence is currently insufficient to determine the role of this variant in disease. Therefore, it has been classified as a Variant of Uncertain Significance.

Fulgent Genetics
Classification: Likely pathogenic for Transient bullous dermolysis of the newborn; Generalized dominant dystrophic epidermolysis bullosa; Pretibial dystrophic epidermolysis bullosa; Dominant dystrophic epidermolysis bullosa with absence of skin; Recessive dystrophic epidermolysis bullosa; Epidermolysis bullosa pruriginosa; Nonsyndromic congenital nail disorder 8. Last evaluated: 2024-05-07. Review status: criteria provided, single submitter. Criteria: ACMG Guidelines, 2015. Collection method: clinical testing. Allele origin: germline.

GeneDx
Classification: Pathogenic. Last evaluated: 2021-05-07. Review status: criteria provided, single submitter. Criteria: GeneDx Variant Classification Process June 2021. Collection method: clinical testing. Allele origin: germline. Affected: yes.
Comment: Occurs at a Glycine position of the canonical Gly-X-Y repeat in the collagenous domain of the COLVII protein. Glycine substitutions in this region of the protein destabilize the COLVII triple helix yielding fragile and unstable anchoring fibrils that are unable to adequately anchor the basement membrane of the epidermis to the dermis resulting in skin fragility; Not observed at a significant frequency in large population cohorts (Lek et al., 2016); In silico analysis supports that this missense variant has a deleterious effect on protein structure/function; Has not been previously published as pathogenic or benign to our knowledge

Literature cited by the submitters: PubMed 7695699 (cited by Labcorp Genetics (formerly Invitae), Labcorp); PubMed 8218237 (cited by Labcorp Genetics (formerly Invitae), Labcorp); PubMed 19344236 (cited by Labcorp Genetics (formerly Invitae), Labcorp); PubMed 22058051 (cited by Labcorp Genetics (formerly Invitae), Labcorp).